The following is an entry in ClinVar:

ClinVar aggregate classification (germline): Likely benign. Review status: reviewed by expert panel (3 of 4 stars). 5 submissions from 5 submitters: Likely benign (1). 4 of the submissions do not count toward it. Last evaluated 2024-06-24.

Conditions:
Hereditary thrombocytopenia and hematologic cancer predisposition syndrome. Identifiers: Orphanet 71290, MedGen CN281654, MONDO:0011071.
Inborn genetic diseases. Identifiers: MedGen C0950123, MeSH D030342.
Acute myeloid leukemia (AML). Also called: Acute myeloid leukemia, adult; AML adult; Acute non-lymphocytic leukemia; Acute granulocytic leukemia; Leukemia, acute myelogenous, somatic; Leukemia, acute myeloid, somatic. Identifiers: Orphanet 519, MedGen C0023467, MeSH D015470, MONDO:0018874, OMIM 601626, HP:0004808. Disease mechanism: Constitutively activated FLT3.
Hereditary thrombocytopenia and hematological cancer predisposition syndrome associated with RUNX1. Also called: RUNX1 Familial Platelet Disorder with Associated Myeloid Malignancies; Familial Platelet Disorder with Propensity to Acute Myelogenous Leukemia; PLATELET DISORDER, ASPIRIN-LIKE; Familial thrombocytopenia with propensity to acute myelogenous leukemia. Identifiers: Orphanet 71290, MedGen C1832388, MeSH C563324, MONDO:0100083, OMIM 601399.

Allele frequency attached by ClinVar (database versions not stated): TOPMed below 0.00001; ExAC 0.00001; gnomAD 0.00001; gnomAD exomes 0.00001.
gnomAD v4.1: 7 of 1,614,058 alleles (0.00043%); highest among the groups gnomAD compares: Admixed American, 0.005%; no homozygotes.

Submissions (5):

ClinGen Myeloid Malignancy Variant Curation Expert Panel
Classification: Likely benign for Hereditary thrombocytopenia and hematologic cancer predisposition syndrome. Last evaluated: 2024-06-24. Review status: reviewed by expert panel. Criteria: ClinGen MyeloMalig ACMG Specifications v2. Collection method: curation. Allele origin: germline. Inheritance: Autosomal dominant inheritance.
Comment: NM_001754.5(RUNX1):c.832C>T (p.Pro278Ser) is a missense variant with transactivation assays demonstrating normal transactivation (80-115% of wt) (BS3_Supporting; PMID: 34166225). This missense variant has a REVEL score < 0.50 (0.275) and a SpliceAI score ≤ 0.20 (0.0) (BP4). In summary, this variant meets criteria to be classified as likely benign. ACMG/AMP criteria applied, as specified by the Myeloid Malignancy Variant Curation Expert Panel for RUNX1: BS3, BP4.

Labcorp Genetics (formerly Invitae), Labcorp
Classification: Uncertain significance for Hereditary thrombocytopenia and hematological cancer predisposition syndrome associated with RUNX1. Last evaluated: 2026-01-26. Review status: criteria provided, single submitter. Criteria: Invitae Variant Classification Sherloc (09022015). Collection method: clinical testing. Allele origin: germline. Not counted in ClinVar's aggregate classification.
Comment: This sequence change replaces proline, which is neutral and non-polar, with serine, which is neutral and polar, at codon 278 of the RUNX1 protein (p.Pro278Ser). This variant is present in population databases (rs767251526, gnomAD 0.006%). This missense change has been observed in individual(s) with B-cell acute lymphoblastic leukemia (B-ALL) (PMID: 34166225). ClinVar contains an entry for this variant (Variation ID: 239056). Invitae Evidence Modeling of protein sequence and biophysical properties (such as structural, functional, and spatial information, amino acid conservation, physicochemical variation, residue mobility, and thermodynamic stability) has been performed for this missense variant. However, the output from this modeling did not meet the statistical confidence thresholds required to predict the impact of this variant on RUNX1 protein function. In summary, the available evidence is currently insufficient to determine the role of this variant in disease. Therefore, it has been classified as a Variant of Uncertain Significance.

Ambry Genetics
Classification: Uncertain significance for Inborn genetic diseases. Last evaluated: 2025-07-11. Review status: criteria provided, single submitter. Criteria: Ambry Variant Classification Scheme 2023. Collection method: clinical testing. Allele origin: germline. Not counted in ClinVar's aggregate classification.
Comment: The p.P278S variant (also known as c.832C>T), located in coding exon 7 of the RUNX1 gene, results from a C to T substitution at nucleotide position 832. The proline at codon 278 is replaced by serine, an amino acid with similar properties. This amino acid position is well conserved in available vertebrate species. In addition, this alteration is predicted to be tolerated by in silico analysis. Based on the available evidence, the clinical significance of this variant remains unclear.

Baylor Genetics
Classification: Uncertain significance for Acute myeloid leukemia. Last evaluated: 2024-01-23. Review status: criteria provided, single submitter. Criteria: ACMG Guidelines, 2015. Collection method: clinical testing. Allele origin: unknown. Not counted in ClinVar's aggregate classification.

Blueprint Genetics
Classification: Uncertain significance. Last evaluated: 2021-11-01. Review status: criteria provided, single submitter. Criteria: ACMG Guidelines, 2015. Collection method: clinical testing. Allele origin: germline. Not counted in ClinVar's aggregate classification.

Literature cited by the submitters: PubMed 34166225 (cited by ClinGen Myeloid Malignancy Variant Curation Expert Panel and Labcorp Genetics (formerly Invitae), Labcorp).

NM_001754.5(RUNX1):c.832C>T (p.Pro278Ser)

Gene: RUNX1 (RUNX family transcription factor 1; minus strand). Cytogenetic location: 21q22.12.
Variant type: single nucleotide variant.
Coding change: c.832C>T on transcript NM_001754.5 (MANE Select); coding-DNA position 832, C replaced by T.
Protein change: p.Pro278Ser; replaces proline 278 with serine.
Molecular consequence: missense variant.
Genome position (GRCh38, 1-based): chr21:34,799,436, G>A on the plus strand (C>T on the coding strand, the complement: RUNX1 is on the minus strand). VCF-style: chr21-34799436-G-A. GRCh37 (hg19) VCF-style: chr21-36171733-G-A.
Other names: NM_001754.5(RUNX1):c.832C>T; p.Pro278Ser; c.751C>T, p.Pro251Ser (NM_001001890.3); short protein forms P278S, P251S.
Identifiers: ClinVar variation 239056 (VCV000239056.13), dbSNP rs767251526, ClinGen allele CA10014286.